The following is an entry in ClinVar:

ClinVar aggregate classification (germline): Likely pathogenic (1 of 4 stars; one submission).

Conditions:
Developmental and epileptic encephalopathy, 11 (DEE11). Also called: Early infantile epileptic encephalopathy 11. Identifiers: Orphanet 1934, MedGen C3150987, MONDO:0013388, OMIM 613721.

Submission:

Institute of Human Genetics, University of Leipzig Medical Center
Classification: Likely pathogenic for Developmental and epileptic encephalopathy, 11. Last evaluated: 2025-07-25. Review status: criteria provided, single submitter. Criteria: ACMG Guidelines, 2015. Collection method: clinical testing. Allele origin: de novo. Inheritance: Autosomal dominant inheritance. Affected: yes.
Comment: Criteria applied: PM5_STR,PS2_MOD,PP3_MOD,PM2_SUP

NM_001040142.2(SCN2A):c.2824G>C (p.Glu942Gln)

Gene: SCN2A (sodium voltage-gated channel alpha subunit 2; plus strand). Cytogenetic location: 2q24.3.
Variant type: single nucleotide variant.
Coding change: c.2824G>C on transcript NM_001040142.2 (MANE Select); coding-DNA position 2824, G replaced by C.
Protein change: p.Glu942Gln; replaces glutamic acid 942 with glutamine.
Molecular consequence: missense variant.
Genome position (GRCh38, 1-based): chr2:165,344,816, G>C. VCF-style: chr2-165344816-G-C. GRCh37 (hg19) VCF-style: chr2-166201326-G-C.
Other names: c.2824G>C, p.Glu942Gln (NM_001040143.2, NM_001371246.1, NM_001371247.1 and 1 more transcripts); short protein forms E942Q.
Identifiers: ClinVar variation 4082328 (VCV004082328.1).